The following is an entry in ClinVar:

ClinVar aggregate classification (germline): Uncertain significance. Review status: criteria provided, multiple submitters, no conflicts (2 of 4 stars). 4 submissions from 4 submitters: Uncertain significance (4). Last evaluated 2025-10-06.

Conditions:
Epidermolysis bullosa simplex with nail dystrophy (EBS5D). Identifiers: MedGen C4225309, MONDO:0014661, OMIM 616487.
Epidermolysis bullosa simplex, Ogna type (EBS5A). Also called: Pidermolysis bullosa simplex 5A, Ogna type; EPIDERMOLYSIS BULLOSA SIMPLEX 5A, OGNA TYPE. Identifiers: Orphanet 79401, MedGen C0432317, MONDO:0007555, OMIM 131950.
Epidermolysis bullosa simplex 5C, with pyloric atresia (EBS5C). Also called: PLEC1-Related Epidermolysis Bullosa with Pyloric Atresia; PLEC-Related Epidermolysis Bullosa with Pyloric Atresia; Epidermolysis bullosa simplex with pyloric atresia. Identifiers: Orphanet 158684, MedGen C2677349, MONDO:0012807, OMIM 612138.
Epidermolysis bullosa simplex 5B, with muscular dystrophy (EBS5B). Also called: Epidermolysis bullosa simplex with muscular dystrophy; EPIDERMOLYSIS BULLOSA SIMPLEX AND LIMB-GIRDLE MUSCULAR DYSTROPHY. Identifiers: Orphanet 257, MedGen C2931072, MONDO:0009181, OMIM 226670.
Autosomal recessive limb-girdle muscular dystrophy type 2Q (LGMDR17). Also called: MUSCULAR DYSTROPHY, LIMB-GIRDLE, AUTOSOMAL RECESSIVE 17. Identifiers: Orphanet 254361, MedGen C3150989, MONDO:0013390, OMIM 613723.

Allele frequency attached by ClinVar (database versions not stated): gnomAD exomes 0.00003 and 0.00006; ExAC 0.00006; TOPMed 0.00009; gnomAD 0.00011.
gnomAD v4.1: 65 of 1,611,732 alleles (0.004%); highest among the groups gnomAD compares: Admixed American, 0.018%; 1 homozygote.

Submissions (4):

Labcorp Genetics (formerly Invitae), Labcorp
Classification: Uncertain significance for Autosomal recessive limb-girdle muscular dystrophy type 2Q; Epidermolysis bullosa simplex, Ogna type; Epidermolysis bullosa simplex with nail dystrophy; Epidermolysis bullosa simplex 5C, with pyloric atresia; Epidermolysis bullosa simplex 5B, with muscular dystrophy. Last evaluated: 2025-10-06. Review status: criteria provided, single submitter. Criteria: Invitae Variant Classification Sherloc (09022015). Collection method: clinical testing. Allele origin: germline.
Comment: This sequence change replaces valine, which is neutral and non-polar, with methionine, which is neutral and non-polar, at codon 4216 of the PLEC protein (p.Val4216Met). This variant is present in population databases (rs782787400, gnomAD 0.01%). This variant has not been reported in the literature in individuals affected with PLEC-related conditions. ClinVar contains an entry for this variant (Variation ID: 597448). Invitae Evidence Modeling of protein sequence and biophysical properties (such as structural, functional, and spatial information, amino acid conservation, physicochemical variation, residue mobility, and thermodynamic stability) indicates that this missense variant is not expected to disrupt PLEC protein function with a negative predictive value of 80%. In summary, the available evidence is currently insufficient to determine the role of this variant in disease. Therefore, it has been classified as a Variant of Uncertain Significance.

CeGaT Center for Human Genetics Tuebingen
Classification: Uncertain significance. Last evaluated: 2024-10-01. Review status: criteria provided, single submitter. Criteria: CeGaT Center For Human Genetics Tuebingen Variant Classification Criteria Version 2. Collection method: clinical testing. Allele origin: germline. Affected: yes. Observed: 1 variant allele.
Comment: PLEC: PM2

Revvity Omics, Revvity
Classification: Uncertain significance. Last evaluated: 2023-01-17. Review status: criteria provided, single submitter. Criteria: ACMG Guidelines, 2015. Collection method: clinical testing. Allele origin: germline.

Eurofins Ntd Llc (ga)
Classification: Uncertain significance. Last evaluated: 2018-06-08. Review status: criteria provided, single submitter. Criteria: EGL ClinVar v180209 classification definitions. Collection method: clinical testing. Allele origin: germline. Observed: 1 variant allele, 1 heterozygote.

NM_201384.3(PLEC):c.12565G>A (p.Val4189Met)

Gene: PLEC (plectin; minus strand). Cytogenetic location: 8q24.3.
Variant type: single nucleotide variant.
Coding change: c.12565G>A on transcript NM_201384.3 (MANE Select); coding-DNA position 12565, G replaced by A.
Protein change: p.Val4189Met; replaces valine 4189 with methionine.
Molecular consequence: missense variant.
Genome position (GRCh38, 1-based): chr8:143,917,256, C>T on the plus strand (G>A on the coding strand, the complement: PLEC is on the minus strand). VCF-style: chr8-143917256-C-T. GRCh37 (hg19) VCF-style: chr8-144991424-C-T.
Other names: c.12646G>A, p.Val4216Met (NM_000445.5); c.12523G>A, p.Val4175Met (NM_201378.4); c.12499G>A, p.Val4167Met (NM_201379.3); c.12976G>A, p.Val4326Met (NM_201380.4); c.12469G>A, p.Val4157Met (NM_201381.3); c.12565G>A, p.Val4189Met (NM_201382.4); c.12577G>A, p.Val4193Met (NM_201383.3); short protein forms V4175M, V4193M, V4189M, V4216M, V4157M, V4326M, V4167M.
Identifiers: ClinVar variation 597448 (VCV000597448.30), dbSNP rs782787400, ClinGen allele CA4924051.